The following is an entry in ClinVar:

ClinVar aggregate classification (germline): Uncertain significance. Review status: criteria provided, multiple submitters, no conflicts (2 of 4 stars). 3 submissions from 3 submitters: Uncertain significance (3). Last evaluated 2026-04-21.

Conditions:
Hereditary cancer-predisposing syndrome. Also called: Hereditary Cancer Syndrome; Neoplastic Syndromes, Hereditary; Tumor predisposition; Hereditary neoplastic syndrome. Identifiers: Orphanet 140162, MedGen C0027672, MeSH D009386, MONDO:0015356.
Familial cancer of breast. Also called: BREAST CANCER, FAMILIAL; Hereditary breast cancer; hereditary breast carcinoma. Identifiers: Orphanet 227535, MedGen C0346153, MONDO:0016419, OMIM 114480. Disease mechanism: loss of function.
Fanconi anemia complementation group J. Also called: BRIP1-Related Fanconi Anemia. Identifiers: Orphanet 84, MedGen C1836860, MONDO:0012187, OMIM 609054.

Submissions (3):

Ambry Genetics
Classification: Uncertain significance for Hereditary cancer-predisposing syndrome. Last evaluated: 2026-04-21. Review status: criteria provided, single submitter. Criteria: Ambry Variant Classification Scheme 2023. Collection method: clinical testing. Allele origin: germline.
Comment: The c.194_199delAATCTC variant (also known as p.Q65_S66del) is located in coding exon 2 of the BRIP1 gene. This variant results from an in-frame AATCTC deletion at nucleotide positions 194 to 199. This results in the in-frame deletion of 2 residues at codons 65 to 66. This amino acid region is well conserved in available vertebrate species. In addition, this variant is predicted to be deleterious by in silico analysis (Choi Y et al. PLoS ONE. 2012; 7(10):e46688). Based on the available evidence, the clinical significance of this variant remains unclear.

Labcorp Genetics (formerly Invitae), Labcorp
Classification: Uncertain significance for Familial cancer of breast; Fanconi anemia complementation group J. Last evaluated: 2021-01-15. Review status: criteria provided, single submitter. Criteria: Invitae Variant Classification Sherloc (09022015). Collection method: clinical testing. Allele origin: germline.
Comment: Experimental studies and prediction algorithms are not available or were not evaluated, and the functional significance of this variant is currently unknown. This variant, c.194_199del, results in the deletion of 2 amino acid(s) of the BRIP1 protein (p.Gln65_Ser66del), but otherwise preserves the integrity of the reading frame. This variant is not present in population databases (ExAC no frequency). This variant has not been reported in the literature in individuals with BRIP1-related conditions. ClinVar contains an entry for this variant (Variation ID: 926885). In summary, the available evidence is currently insufficient to determine the role of this variant in disease. Therefore, it has been classified as a Variant of Uncertain Significance.

Color Diagnostics, LLC DBA Color Health
Classification: Uncertain significance for Hereditary cancer-predisposing syndrome. Last evaluated: 2019-05-02. Review status: criteria provided, single submitter. Criteria: ACMG Guidelines, 2015. Collection method: clinical testing. Allele origin: germline.

NM_032043.3(BRIP1):c.194_199del (p.Gln65_Ser66del)

Gene: BRIP1 (BRCA1 interacting DNA helicase 1; minus strand). Cytogenetic location: 17q23.2.
Variant type: Deletion.
Coding change: c.194_199del on transcript NM_032043.3 (MANE Select); coding-DNA positions 194 to 199, 6 bases deleted (AATCTC; older notation c.194_199delAATCTC).
Protein change: p.Gln65_Ser66del.
Molecular consequence: inframe deletion.
Genome position (GRCh38, 1-based): chr17:61,859,802-61,859,807, GAGATT deleted on the plus strand (AATCTC on the coding strand, the reverse complement: BRIP1 is on the minus strand); deleting any 6 consecutive bases within chr17:61,859,802-61,859,808 gives the same sequence; the c. name uses the placement nearest the transcript's 3' end. VCF-style (leftmost placement, unchanged base first): chr17-61859801-AGAGATT-A. GRCh37 (hg19) VCF-style: chr17-59937162-AGAGATT-A.
Other names: c.194_199delAATCTC (NM_032043.2).
Identifiers: ClinVar variation 926885 (VCV000926885.12), dbSNP rs2078948660, ClinGen allele CA913188904.
Genomic context (GRCh38, chr17:61,859,801, plus strand): 5'-ATTATATTTTCTCAGATCCCAGTAAGTAACCTGAAGATATCAAGCAACTACTTACCACTA[AGAGATT>A]GTTGCCATGCTAAAGCAGAACAAAGTAAGGCTAAGCTTTTTCCACTTCCTGTGGGACTCT-3'